The following is an entry in ClinVar:

ClinVar aggregate classification (germline): Uncertain significance. Review status: criteria provided, multiple submitters, no conflicts (2 of 4 stars). 4 submissions from 4 submitters: Uncertain significance (4). Last evaluated 2025-08-06.

Conditions:
Hereditary cancer-predisposing syndrome. Also called: Tumor predisposition; Hereditary neoplastic syndrome; Neoplastic Syndromes, Hereditary; Hereditary Cancer Syndrome. Identifiers: Orphanet 140162, MedGen C0027672, MeSH D009386, MONDO:0015356.
Familial cancer of breast. Also called: BREAST CANCER, FAMILIAL; hereditary breast carcinoma; Hereditary breast cancer. Identifiers: Orphanet 227535, MedGen C0346153, MONDO:0016419, OMIM 114480. Disease mechanism: loss of function.

Allele frequency attached by ClinVar (database versions not stated): gnomAD exomes below 0.00001.

Submissions (4):

Labcorp Genetics (formerly Invitae), Labcorp
Classification: Uncertain significance for Familial cancer of breast. Last evaluated: 2025-08-06. Review status: criteria provided, single submitter. Criteria: Invitae Variant Classification Sherloc (09022015). Collection method: clinical testing. Allele origin: germline.
Comment: This sequence change replaces asparagine, which is neutral and polar, with histidine, which is basic and polar, at codon 98 of the BARD1 protein (p.Asn98His). This variant is present in population databases (no rsID available, gnomAD 0.003%). This variant has not been reported in the literature in individuals affected with BARD1-related conditions. ClinVar contains an entry for this variant (Variation ID: 666010). An algorithm developed to predict the effect of missense changes on protein structure and function (PolyPhen-2) suggests that this variant is likely to be disruptive. In summary, the available evidence is currently insufficient to determine the role of this variant in disease. Therefore, it has been classified as a Variant of Uncertain Significance.

Ambry Genetics
Classification: Uncertain significance for Hereditary cancer-predisposing syndrome. Last evaluated: 2025-07-22. Review status: criteria provided, single submitter. Criteria: Ambry Variant Classification Scheme 2023. Collection method: clinical testing. Allele origin: germline.
Comment: The p.N98H variant (also known as c.292A>C), located in coding exon 3 of the BARD1 gene, results from an A to C substitution at nucleotide position 292. The asparagine at codon 98 is replaced by histidine, an amino acid with similar properties. This amino acid position is highly conserved in available vertebrate species. In addition, the in silico prediction for this alteration is inconclusive. Since supporting evidence is limited at this time, the clinical significance of this alteration remains unclear.

Baylor Genetics
Classification: Uncertain significance for Familial cancer of breast. Last evaluated: 2023-12-13. Review status: criteria provided, single submitter. Criteria: ACMG Guidelines, 2015. Collection method: clinical testing. Allele origin: unknown.

Color Diagnostics, LLC DBA Color Health
Classification: Uncertain significance for Hereditary cancer-predisposing syndrome. Last evaluated: 2023-12-04. Review status: criteria provided, single submitter. Criteria: ACMG Guidelines, 2015. Collection method: clinical testing. Allele origin: germline.
Comment: This missense variant replaces asparagine with histidine at codon 98 of the BARD1 protein. Computational prediction is inconclusive regarding the impact of this variant on protein structure and function (internally defined REVEL score threshold 0.5 < inconclusive < 0.7, PMID: 27666373). To our knowledge, functional studies have not been reported for this variant. This variant has not been reported in individuals affected with BARD1-related disorders in the literature. This variant has been identified in 1/251182 chromosomes in the general population by the Genome Aggregation Database (gnomAD). The available evidence is insufficient to determine the role of this variant in disease conclusively. Therefore, this variant is classified as a Variant of Uncertain Significance.

NM_000465.4(BARD1):c.292A>C (p.Asn98His)

Gene: BARD1 (BRCA1 associated RING domain 1; minus strand). Cytogenetic location: 2q35.
Variant type: single nucleotide variant.
Coding change: c.292A>C on transcript NM_000465.4 (MANE Select); coding-DNA position 292, A replaced by C.
Protein change: p.Asn98His; replaces asparagine 98 with histidine.
Molecular consequence: missense variant. On other transcripts: non-coding transcript variant (1), intron variant (2).
Genome position (GRCh38, 1-based): chr2:214,792,369, T>G on the plus strand (A>C on the coding strand, the complement: BARD1 is on the minus strand). VCF-style: chr2-214792369-T-G. GRCh37 (hg19) VCF-style: chr2-215657093-T-G.
Other names: c.235A>C, p.Asn79His (NM_001282543.2); c.292A>C, p.Asn98His (NM_001282549.2); c.158+17043A>C (NM_001282548.2); c.215+4692A>C (NM_001282545.2); short protein forms N79H, N98H.
Identifiers: ClinVar variation 666010 (VCV000666010.23), dbSNP rs1444375563, ClinGen allele CA350461032.